The following is an entry in ClinVar:

NM_021629.4(GNB4):c.86C>T (p.Thr29Met)

Gene: GNB4 (G protein subunit beta 4; minus strand). Cytogenetic location: 3q26.33.
Variant type: single nucleotide variant.
Coding change: c.86C>T on transcript NM_021629.4 (MANE Select); coding-DNA position 86, C replaced by T.
Protein change: p.Thr29Met; replaces threonine 29 with methionine.
Molecular consequence: missense variant.
Genome position (GRCh38, 1-based): chr3:179,420,899, G>A on the plus strand (C>T on the coding strand, the complement: GNB4 is on the minus strand). VCF-style: chr3-179420899-G-A. GRCh37 (hg19) VCF-style: chr3-179138687-G-A.
Other names: short protein forms T29M.
Identifiers: ClinVar variation 640327 (VCV000640327.8), dbSNP rs762114369, ClinGen allele CA2712604.

ClinVar aggregate classification (germline): Uncertain significance (1 of 4 stars; one submission).

Conditions:
Charcot-Marie-Tooth disease dominant intermediate F. Identifiers: Orphanet 352670, MedGen C4749463, MONDO:0014074, OMIM 615185.

Allele frequency attached by ClinVar (database versions not stated): gnomAD exomes 0.00001 and 0.00003; ExAC 0.00002; TOPMed 0.00002; gnomAD 0.00003.
gnomAD v4.1: 47 of 1,590,116 alleles (0.003%); highest among the groups gnomAD compares: East Asian, 0.016%; no homozygotes.

Submission:

Labcorp Genetics (formerly Invitae), Labcorp
Classification: Uncertain significance for Charcot-Marie-Tooth disease dominant intermediate F. Last evaluated: 2025-05-18. Review status: criteria provided, single submitter. Criteria: Invitae Variant Classification Sherloc (09022015). Collection method: clinical testing. Allele origin: germline.
Comment: This sequence change replaces threonine, which is neutral and polar, with methionine, which is neutral and non-polar, at codon 29 of the GNB4 protein (p.Thr29Met). This variant is present in population databases (rs762114369, gnomAD 0.007%). This variant has not been reported in the literature in individuals affected with GNB4-related conditions. ClinVar contains an entry for this variant (Variation ID: 640327). Invitae Evidence Modeling of protein sequence and biophysical properties (such as structural, functional, and spatial information, amino acid conservation, physicochemical variation, residue mobility, and thermodynamic stability) has been performed for this missense variant. However, the output from this modeling did not meet the statistical confidence thresholds required to predict the impact of this variant on GNB4 protein function. In summary, the available evidence is currently insufficient to determine the role of this variant in disease. Therefore, it has been classified as a Variant of Uncertain Significance.